The following is an entry in ClinVar:

NM_133259.4(LRPPRC):c.3797A>G (p.Lys1266Arg)

Gene: LRPPRC (leucine rich pentatricopeptide repeat containing; minus strand). Cytogenetic location: 2p21.
Variant type: single nucleotide variant.
Coding change: c.3797A>G on transcript NM_133259.4 (MANE Select); coding-DNA position 3797, A replaced by G.
Protein change: p.Lys1266Arg; replaces lysine 1266 with arginine.
Molecular consequence: missense variant.
Genome position (GRCh38, 1-based): chr2:43,899,247, T>C on the plus strand (A>G on the coding strand, the complement: LRPPRC is on the minus strand). VCF-style: chr2-43899247-T-C. GRCh37 (hg19) VCF-style: chr2-44126386-T-C.
Other names: short protein forms K1266R.
Identifiers: ClinVar variation 2180731 (VCV002180731.4), dbSNP rs2466376366, ClinGen allele CA346676429.
Genomic context (GRCh38, chr2:43,899,247, plus strand): 5'-GCCCCACTGCTCCATGAGTGGAGGGTCATTACCTGTAGGAGAGCTCTGGCATCATCCACC[T>C]TGCCTGCATCCACAAGTTGAAGGAAAAAATCAGTGACAGGTTTATAAATTGCAAACTGAT-3'
Protein context (NP_573566.2, residues 1256-1276): DFFLQLVDAG[Lys1266Arg]VDDARALLQR

ClinVar aggregate classification (germline): Uncertain significance (1 of 4 stars; one submission).

Submission:

Labcorp Genetics (formerly Invitae), Labcorp
Classification: Uncertain significance. Last evaluated: 2025-10-22. Review status: criteria provided, single submitter. Criteria: Invitae Variant Classification Sherloc (09022015). Collection method: clinical testing. Allele origin: germline.
Comment: This sequence change replaces lysine, which is basic and polar, with arginine, which is basic and polar, at codon 1266 of the LRPPRC protein (p.Lys1266Arg). This variant is not present in population databases (gnomAD no frequency). This variant has not been reported in the literature in individuals affected with LRPPRC-related conditions. ClinVar contains an entry for this variant (Variation ID: 2180731). Invitae Evidence Modeling of protein sequence and biophysical properties (such as structural, functional, and spatial information, amino acid conservation, physicochemical variation, residue mobility, and thermodynamic stability) indicates that this missense variant is not expected to disrupt LRPPRC protein function with a negative predictive value of 80%. In summary, the available evidence is currently insufficient to determine the role of this variant in disease. Therefore, it has been classified as a Variant of Uncertain Significance.